The following is an entry in ClinVar:

ClinVar aggregate classification (germline): Pathogenic (1 of 4 stars; one submission).

Submission:

Quest Diagnostics Nichols Institute San Juan Capistrano
Classification: Pathogenic. Last evaluated: 2024-07-26. Review status: criteria provided, single submitter. Criteria: ACMG/ClinGen CNV Guidelines, 2019. Collection method: clinical testing. Allele origin: unknown.
Comment: This copy number loss of 11q24.2q25 involves at least 70 protein-coding genes and falls within the larger region associated with Jacobsen syndrome (JBS) (OMIM 147791, Dalm 2015, Mattina 2009, Ye 2010, Favier 2015, Grossfeld 2004, Zhu 2020). Additionally, deletions overlapping or fully contained within the current interval have been reported (Bernaciak 2008, Conrad 2019, Lu 2022, Rodriguez-Lopez 2021, Seppanen 2014, Tassano 2016, Yalcintepe 2022). There are no similar copy number losses of this region in the general populations of the Database of Genomic Variants. Therefore, based on gene content, and current medical literature, this copy number variant (CNV) is classified as pathogenic. References: Bernaciak et al., Am J Med Genet A. 2008 Oct 1;146A(19):2449-54. PMID: 18792974 Conrad et al., Am J Med Genet A. 2019 Jun;179(6):993-1000. PMID: 30888095 Dalm et al., J Clin Immunol. 2015 Nov;35(8):761-8. PMID: 26566921 Favier et al., Am J Med Genet C Semin Med Genet. 2015 Sep;169(3):239-50. PMID: 26285164 Grossfeld et al., Am J Med Genet A. 2004 Aug 15;129A(1):51-61. PMID: 15266616 Lu et al., Orphanet J Rare Dis. 2022 Jan 4;17(1):2. PMID: 34983622 Mattina et al., Orphanet J Rare Dis. 2009 Mar 7:4:9. PMID: 19267933 Rodriguez-Lopez et al., Genes (Basel). 2021 Jul 31;12(8):1197. PMID: 34440371 Seppanen et al., J Clin Immunol. 2014 Jan;34(1):114-8. PMID: 24233263 Tassano et al., J Appl Genet. 2016 Aug;57(3):357-62. PMID: 27020790 Yalcintepe et al., Mol Syndromol. 2022 May;13(3):235-239. PMID: 35707598 Ye et al., Hum Mol Genet. 2010 Feb 15;19(4):648-56. PMID: 19942620 Zhu et al., Front Genet. 2020 Nov 6:11:565078. PMID: 33240318

GRCh37/hg19 11q24.2-25(chr11:124232608-134938470)x1

Genes: ZBTB44 (zinc finger and BTB domain containing 44; minus strand), ACAD8 (acyl-CoA dehydrogenase family member 8; plus strand), ACRV1 (acrosomal vesicle protein 1; minus strand), ADAMTS15 (ADAM metallopeptidase with thrombospondin type 1 motif 15; plus strand), ADAMTS8 (ADAM metallopeptidase with thrombospondin type 1 motif 8; minus strand) and 71 more. Cytogenetic location: 11q24.2-25.
Variant type: copy number loss.
Change: copy number 1 (one copy instead of two) of chr11:124,232,608-134,938,470 (10.71 Mb, GRCh37 coordinates, 1-based), cytogenetic band 11q24.2-25.
Identifiers: ClinVar variation 815477 (VCV000815477.3).